The following is an entry in ClinVar:

ClinVar aggregate classification (germline): Uncertain significance. Review status: criteria provided, multiple submitters, no conflicts (2 of 4 stars). 2 submissions from 2 submitters: Uncertain significance (2). Last evaluated 2025-08-11.

Conditions:
Cardiovascular phenotype. Identifiers: MedGen CN230736.
DK1-congenital disorder of glycosylation. Also called: DK1-CDG; DOLK-congenital disorder of glycosylation; Carbohydrate deficient glycoprotein syndrome type 1m; CDG Im; DK1 DEFICIENCY; DOLICHOL KINASE DEFICIENCY. Identifiers: Orphanet 91131, MedGen C1835849, MONDO:0012556, OMIM 610768.

Allele frequency attached by ClinVar (database versions not stated): gnomAD 0.00001; TOPMed 0.00001; gnomAD exomes 0.00002 and 0.00005; ExAC 0.00004.

Submissions (2):

Labcorp Genetics (formerly Invitae), Labcorp
Classification: Uncertain significance for DK1-congenital disorder of glycosylation. Last evaluated: 2025-08-11. Review status: criteria provided, single submitter. Criteria: Invitae Variant Classification Sherloc (09022015). Collection method: clinical testing. Allele origin: germline.
Comment: This sequence change replaces serine, which is neutral and polar, with proline, which is neutral and non-polar, at codon 323 of the DOLK protein (p.Ser323Pro). This variant is present in population databases (rs750702584, gnomAD 0.04%). This variant has not been reported in the literature in individuals affected with DOLK-related conditions. ClinVar contains an entry for this variant (Variation ID: 1374836). An algorithm developed to predict the effect of missense changes on protein structure and function (PolyPhen-2) suggests that this variant is likely to be tolerated. In summary, the available evidence is currently insufficient to determine the role of this variant in disease. Therefore, it has been classified as a Variant of Uncertain Significance.

Ambry Genetics
Classification: Uncertain significance for Cardiovascular phenotype. Last evaluated: 2021-06-16. Review status: criteria provided, single submitter. Criteria: Ambry Variant Classification Scheme 2023. Collection method: clinical testing. Allele origin: germline.
Comment: The p.S323P variant (also known as c.967T>C), located in coding exon 1 of the DOLK gene, results from a T to C substitution at nucleotide position 967. The serine at codon 323 is replaced by proline, an amino acid with similar properties. This amino acid position is not well conserved in available vertebrate species. In addition, the in silico prediction for this alteration is inconclusive. Since supporting evidence is limited at this time, the clinical significance of this alteration remains unclear.

NM_014908.4(DOLK):c.967T>C (p.Ser323Pro)

Gene: DOLK (dolichol kinase; minus strand). Cytogenetic location: 9q34.11.
Variant type: single nucleotide variant.
Coding change: c.967T>C on transcript NM_014908.4 (MANE Select); coding-DNA position 967, T replaced by C.
Protein change: p.Ser323Pro; replaces serine 323 with proline.
Molecular consequence: missense variant.
Genome position (GRCh38, 1-based): chr9:128,946,337, A>G on the plus strand (T>C on the coding strand, the complement: DOLK is on the minus strand). VCF-style: chr9-128946337-A-G. GRCh37 (hg19) VCF-style: chr9-131708616-A-G.
Other names: short protein forms S323P.
Identifiers: ClinVar variation 1374836 (VCV001374836.10), dbSNP rs750702584, ClinGen allele CA5271655.